The following is an entry in ClinVar:

NM_000338.3(SLC12A1):c.450_451del (p.Asp150fs)

Gene: SLC12A1 (solute carrier family 12 member 1; plus strand). Cytogenetic location: 15q21.1.
Variant type: Deletion.
Coding change: c.450_451del on transcript NM_000338.3 (MANE Select); coding-DNA positions 450 to 451, 2 bases deleted (CA; older notation c.450_451delCA).
Protein change: p.Asp150fs; shifts the reading frame from aspartic acid 150.
Molecular consequence: frameshift variant.
Genome position (GRCh38, 1-based): chr15:48,220,663-48,220,664, CA deleted; deleting any 2 consecutive bases within chr15:48,220,662-48,220,664 gives the same sequence; the c. name uses the placement nearest the transcript's 3' end. VCF-style (leftmost placement, unchanged base first): chr15-48220661-GAC-G. GRCh37 (hg19) VCF-style: chr15-48512858-GAC-G.
Other names: c.450_451del, p.Asp150fs (NM_001184832.2, NM_001384136.1); short protein forms D150fs.
Identifiers: ClinVar variation 2731628 (VCV002731628.5), dbSNP rs1413414501, ClinGen allele CA617821712.

ClinVar aggregate classification (germline): Pathogenic/Likely pathogenic. Review status: criteria provided, multiple submitters, no conflicts (2 of 4 stars). 2 submissions from 2 submitters: Pathogenic (1); Likely pathogenic (1). Last evaluated 2024-03-12.

Conditions:
Bartter disease type 1. Also called: Bartter Syndrome type 1; HYPERPROSTAGLANDIN E SYNDROME 1; HYPOKALEMIC ALKALOSIS WITH HYPERCALCIURIA 1, ANTENATAL; Bartter syndrome, type 1, antenatal. Identifiers: Orphanet 112, Orphanet 620217, MedGen C1866495, MONDO:0100344, OMIM 601678, MONDO:0011127.

Submissions (2):

Fulgent Genetics
Classification: Likely pathogenic for Bartter disease type 1. Last evaluated: 2024-03-12. Review status: criteria provided, single submitter. Criteria: ACMG Guidelines, 2015. Collection method: clinical testing. Allele origin: germline.

Labcorp Genetics (formerly Invitae), Labcorp
Classification: Pathogenic. Last evaluated: 2024-02-16. Review status: criteria provided, single submitter. Criteria: Invitae Variant Classification Sherloc (09022015). Collection method: clinical testing. Allele origin: germline.
Comment: This sequence change creates a premature translational stop signal (p.Asp150Glufs*4) in the SLC12A1 gene. It is expected to result in an absent or disrupted protein product. Loss-of-function variants in SLC12A1 are known to be pathogenic (PMID: 8640224, 9585600, 19096086). This variant is present in population databases (no rsID available, gnomAD 0.01%). This premature translational stop signal has been observed in individual(s) with Bartter syndrome (PMID: 29942493). For these reasons, this variant has been classified as Pathogenic.

Literature cited by the submitters: PubMed 8640224 (cited by Labcorp Genetics (formerly Invitae), Labcorp); PubMed 9585600 (cited by Labcorp Genetics (formerly Invitae), Labcorp); PubMed 19096086 (cited by Labcorp Genetics (formerly Invitae), Labcorp); PubMed 29942493 (cited by Labcorp Genetics (formerly Invitae), Labcorp).